The following is an entry in ClinVar:

NM_017780.4(CHD7):c.7768G>C (p.Asp2590His)

Gene: CHD7 (chromodomain helicase DNA binding protein 7; plus strand). Cytogenetic location: 8q12.2.
Variant type: single nucleotide variant.
Coding change: c.7768G>C on transcript NM_017780.4 (MANE Select); coding-DNA position 7768, G replaced by C.
Protein change: p.Asp2590His; replaces aspartic acid 2590 with histidine.
Molecular consequence: missense variant. On other transcripts: intron variant (1).
Genome position (GRCh38, 1-based): chr8:60,861,063, G>C. VCF-style: chr8-60861063-G-C. GRCh37 (hg19) VCF-style: chr8-61773622-G-C.
Other names: c.1717-1166G>C (NM_001316690.1); short protein forms D2590H.
Identifiers: ClinVar variation 4822286 (VCV004822286.4).

ClinVar aggregate classification (germline): Uncertain significance (1 of 4 stars; one submission).

gnomAD v4.1: 1 of 1,613,554 alleles (0.000062%); highest among the groups gnomAD compares: Non-Finnish European, 0.000085%; no homozygotes.

Submission:

CeGaT Center for Human Genetics Tuebingen
Classification: Uncertain significance. Last evaluated: 2026-02-01. Review status: criteria provided, single submitter. Criteria: CeGaT Center For Human Genetics Tuebingen Variant Classification Criteria Version 2. Collection method: clinical testing. Allele origin: germline. Affected: yes. Observed: 1 variant allele.
Comment: CHD7: PM2